The following is an entry in ClinVar:

NM_000179.3(MSH6):c.396G>T (p.Gln132His)

Gene: MSH6 (mutS homolog 6; plus strand). Cytogenetic location: 2p16.3.
Variant type: single nucleotide variant.
Coding change: c.396G>T on transcript NM_000179.3 (MANE Select); coding-DNA position 396, G replaced by T.
Protein change: p.Gln132His; replaces glutamine 132 with histidine.
Molecular consequence: missense variant. On other transcripts: 5 prime UTR variant (2), intron variant (1).
Genome position (GRCh38, 1-based): chr2:47,791,062, G>T. VCF-style: chr2-47791062-G-T. GRCh37 (hg19) VCF-style: chr2-48018201-G-T.
Other names: c.-341G>T (NM_001281493.2, NM_001406811.1, NM_001406823.1 and 1 more transcripts); c.-507G>T (NM_001281494.2); c.492G>T, p.Gln164His (NM_001406795.1, NM_001406802.1); c.396G>T, p.Gln132His (NM_001406796.1, NM_001406798.1, NM_001406800.1 and 6 more transcripts); c.99G>T, p.Gln33His (NM_001406797.1, NM_001406801.1, NM_001406805.1 and 10 more transcripts); c.318G>T, p.Gln106His (NM_001406804.1); c.-533G>T (NM_001406807.1); c.-599G>T (NM_001406814.1); and 2 more; short protein forms Q132H, Q76H, Q106H, Q164H, Q33H.
Identifiers: ClinVar variation 1736607 (VCV001736607.2), dbSNP rs864622216, ClinGen allele CA346737076.

ClinVar aggregate classification (germline): Uncertain significance (1 of 4 stars; one submission).

Conditions:
Hereditary cancer-predisposing syndrome. Also called: Neoplastic Syndromes, Hereditary; Tumor predisposition; Hereditary Cancer Syndrome; Hereditary neoplastic syndrome. Identifiers: Orphanet 140162, MedGen C0027672, MeSH D009386, MONDO:0015356.

Submission:

Ambry Genetics
Classification: Uncertain significance for Hereditary cancer-predisposing syndrome. Last evaluated: 2022-10-27. Review status: criteria provided, single submitter. Criteria: Ambry Variant Classification Scheme 2023. Collection method: clinical testing. Allele origin: germline.
Comment: The p.Q132H variant (also known as c.396G>T), located in coding exon 2 of the MSH6 gene, results from a G to T substitution at nucleotide position 396. The glutamine at codon 132 is replaced by histidine, an amino acid with highly similar properties. This amino acid position is conserved. In addition, this alteration is predicted to be tolerated by in silico analysis. Since supporting evidence is limited at this time, the clinical significance of this alteration remains unclear.